The following is an entry in ClinVar:

ClinVar aggregate classification (germline): Conflicting classifications of pathogenicity. Review status: criteria provided, conflicting classifications (1 of 4 stars). 3 submissions from 3 submitters: Likely pathogenic (1); Uncertain significance (2). Last evaluated 2025-12-02.

Conditions:
Hypertrophic cardiomyopathy. Also called: HYPERTROPHIC MYOCARDIOPATHY. Identifiers: Orphanet 217569, MedGen C0007194, MeSH D002312, MONDO:0005045, HP:0001639.

Submissions (3):

Women's Health and Genetics/Laboratory Corporation of America, LabCorp
Classification: Uncertain significance. Last evaluated: 2025-12-02. Review status: criteria provided, single submitter. Criteria: LabCorp Variant Classification Summary - May 2015. Collection method: clinical testing. Allele origin: germline.
Comment: Variant summary: MYBPC3 c.1223G>A (p.Ser408Asn) results in a conservative amino acid change in the encoded protein sequence. Algorithms developed to predict the effect of missense changes on protein structure and function are either unavailable or do not agree on the potential impact of this missense change. Several computational tools predict a significant impact on normal splicing: One predicts the variant abolishes the canonical 5' splicing donor site and one predicts the variant weakens the 5' donor site. One tool also predicts the variant strengthens a cryptic 5' donor site. However, these predictions have yet to be confirmed by functional studies. The variant was absent in 203014 control chromosomes. The available data on variant occurrences in the general population are insufficient to allow any conclusion about variant significance. c.1223G>A has been observed in an individual affected with Hypertrophic Cardiomyopathy (Waldmuller_2011). This report does not provide unequivocal conclusions about association of the variant with Cardiomyopathy. To our knowledge, no experimental evidence demonstrating an impact on protein function has been reported. The following publication has been ascertained in the context of this evaluation (PMID: 21750094). ClinVar contains an entry for this variant (Variation ID: 1368927). Based on the evidence outlined above, the variant was classified as uncertain significance.

Labcorp Genetics (formerly Invitae), Labcorp
Classification: Uncertain significance for Hypertrophic cardiomyopathy. Last evaluated: 2024-11-26. Review status: criteria provided, single submitter. Criteria: Invitae Variant Classification Sherloc (09022015). Collection method: clinical testing. Allele origin: germline.
Comment: This sequence change replaces serine, which is neutral and polar, with asparagine, which is neutral and polar, at codon 408 of the MYBPC3 protein (p.Ser408Asn). This variant also falls at the last nucleotide of exon 13, which is part of the consensus splice site for this exon. This variant is not present in population databases (gnomAD no frequency). This missense change has been observed in individual(s) with hypertrophic cardiomyopathy (PMID: 21750094). ClinVar contains an entry for this variant (Variation ID: 1368927). An algorithm developed to predict the effect of missense changes on protein structure and function (PolyPhen-2) suggests that this variant is likely to be tolerated. Variants that disrupt the consensus splice site are a relatively common cause of aberrant splicing (PMID: 17576681, 9536098). Algorithms developed to predict the effect of sequence changes on RNA splicing suggest that this variant may disrupt the consensus splice site. In summary, the available evidence is currently insufficient to determine the role of this variant in disease. Therefore, it has been classified as a Variant of Uncertain Significance.

GeneDx
Classification: Likely pathogenic. Last evaluated: 2024-04-23. Review status: criteria provided, single submitter. Criteria: GeneDx Variant Classification Process June 2021. Collection method: clinical testing. Allele origin: germline. Affected: yes.
Comment: Has been reported in an individual with HCM (PMID: 21750094); Not observed at significant frequency in large population cohorts (gnomAD); Alters the last nucleotide of the exon and is predicted to destroy the splice donor site and result in aberrant splicing, although in the absence of functional evidence the actual effect of this sequence change is unknown; In silico analysis indicates that this missense variant does not alter protein structure/function; This variant is associated with the following publications: (PMID: 21750094)

Literature cited by the submitters: PubMed 21750094 (cited by Women's Health and Genetics/Laboratory Corporation of America, LabCorp and Labcorp Genetics (formerly Invitae), Labcorp); PubMed 17576681 (cited by Labcorp Genetics (formerly Invitae), Labcorp); PubMed 9536098 (cited by Labcorp Genetics (formerly Invitae), Labcorp).

NM_000256.3(MYBPC3):c.1223G>A (p.Ser408Asn)

Gene: MYBPC3 (myosin binding protein C3; minus strand). Cytogenetic location: 11p11.2.
Variant type: single nucleotide variant.
Coding change: c.1223G>A on transcript NM_000256.3 (MANE Select); coding-DNA position 1223, G replaced by A.
Protein change: p.Ser408Asn; replaces serine 408 with asparagine.
Molecular consequence: missense variant.
Genome position (GRCh38, 1-based): chr11:47,343,492, C>T on the plus strand (G>A on the coding strand, the complement: MYBPC3 is on the minus strand). VCF-style: chr11-47343492-C-T. GRCh37 (hg19) VCF-style: chr11-47365043-C-T.
Other names: short protein forms S408N.
Identifiers: ClinVar variation 1368927 (VCV001368927.10), dbSNP rs2095891230, ClinGen allele CA380328421.